The following is an entry in ClinVar:

NM_201384.3(PLEC):c.13494_13505del (p.Ala4499_Arg4502del)

Gene: PLEC (plectin; minus strand). Cytogenetic location: 8q24.3.
Variant type: Deletion.
Coding change: c.13494_13505del on transcript NM_201384.3 (MANE Select); coding-DNA positions 13494 to 13505, 12 bases deleted (GGCCGGCTCCCG).
Protein change: p.Ala4499_Arg4502del.
Molecular consequence: inframe deletion.
Genome position (GRCh38, 1-based): chr8:143,916,316-143,916,327, CGGGAGCCGGCC deleted on the plus strand (GGCCGGCTCCCG on the coding strand, the reverse complement: PLEC is on the minus strand); deleting any 12 consecutive bases within chr8:143,916,316-143,916,337 gives the same sequence; the c. name uses the placement nearest the transcript's 3' end. VCF-style (leftmost placement, unchanged base first): chr8-143916315-GCGGGAGCCGGCC-G. GRCh37 (hg19) VCF-style: chr8-144990483-GCGGGAGCCGGCC-G.
Other names: c.13575_13586del, p.Ala4526_Arg4529del (NM_000445.5); c.13452_13463del, p.Ala4485_Arg4488del (NM_201378.4); c.13428_13439del, p.Ala4477_Arg4480del (NM_201379.3); c.13905_13916del, p.Ala4636_Arg4639del (NM_201380.4); c.13398_13409del, p.Ala4467_Arg4470del (NM_201381.3); c.13494_13505del, p.Ala4499_Arg4502del (NM_201382.4); c.13506_13517del, p.Ala4503_Arg4506del (NM_201383.3); c.13575_13586del12 (NM_000445.4).
Identifiers: ClinVar variation 1422739 (VCV001422739.9), dbSNP rs782675738, ClinGen allele CA4923774.

ClinVar aggregate classification (germline): Uncertain significance. Review status: criteria provided, multiple submitters, no conflicts (2 of 4 stars). 3 submissions from 3 submitters: Uncertain significance (3). Last evaluated 2026-09-03.

Conditions:
Autosomal recessive limb-girdle muscular dystrophy type 2Q (LGMDR17). Also called: MUSCULAR DYSTROPHY, LIMB-GIRDLE, AUTOSOMAL RECESSIVE 17. Identifiers: Orphanet 254361, MedGen C3150989, MONDO:0013390, OMIM 613723.
Epidermolysis bullosa simplex, Ogna type (EBS5A). Also called: Pidermolysis bullosa simplex 5A, Ogna type; EPIDERMOLYSIS BULLOSA SIMPLEX 5A, OGNA TYPE. Identifiers: Orphanet 79401, MedGen C0432317, MONDO:0007555, OMIM 131950.
Epidermolysis bullosa simplex 5B, with muscular dystrophy (EBS5B). Also called: EPIDERMOLYSIS BULLOSA SIMPLEX AND LIMB-GIRDLE MUSCULAR DYSTROPHY; Epidermolysis bullosa simplex with muscular dystrophy. Identifiers: Orphanet 257, MedGen C2931072, MONDO:0009181, OMIM 226670.
Epidermolysis bullosa simplex 5C, with pyloric atresia (EBS5C). Also called: PLEC-Related Epidermolysis Bullosa with Pyloric Atresia; Epidermolysis bullosa simplex with pyloric atresia; PLEC1-Related Epidermolysis Bullosa with Pyloric Atresia. Identifiers: Orphanet 158684, MedGen C2677349, MONDO:0012807, OMIM 612138.
Epidermolysis bullosa simplex with nail dystrophy (EBS5D). Identifiers: MedGen C4225309, MONDO:0014661, OMIM 616487.
PLEC-related disorder. Also called: PLEC-related disorders; PLEC-related condition.

Submissions (3):

PreventionGenetics, part of Exact Sciences
Classification: Uncertain significance for PLEC-related condition. Last evaluated: 2026-09-03. Review status: criteria provided, single submitter. Criteria: ACMG Guidelines, 2015. Collection method: clinical testing. Allele origin: germline.
Comment: The PLEC c.13575_13586del12 variant is predicted to result in an in-frame deletion (p.Ala4526_Arg4529del). To our knowledge, this variant has not been reported in the literature. This variant is reported in 0.011% of alleles in individuals of European (Finnish) descent in gnomAD. At this time, the clinical significance of this variant is uncertain due to the absence of conclusive functional and genetic evidence.

Labcorp Genetics (formerly Invitae), Labcorp
Classification: Uncertain significance for Autosomal recessive limb-girdle muscular dystrophy type 2Q; Epidermolysis bullosa simplex, Ogna type; Epidermolysis bullosa simplex with nail dystrophy; Epidermolysis bullosa simplex 5C, with pyloric atresia; Epidermolysis bullosa simplex 5B, with muscular dystrophy. Last evaluated: 2024-10-30. Review status: criteria provided, single submitter. Criteria: Invitae Variant Classification Sherloc (09022015). Collection method: clinical testing. Allele origin: germline.
Comment: This variant, c.13575_13586del, results in the deletion of 4 amino acid(s) of the PLEC protein (p.Ala4526_Arg4529del), but otherwise preserves the integrity of the reading frame. This variant is present in population databases (rs782675738, gnomAD 0.01%). This variant has not been reported in the literature in individuals affected with PLEC-related conditions. ClinVar contains an entry for this variant (Variation ID: 1422739). Experimental studies and prediction algorithms are not available or were not evaluated, and the functional significance of this variant is currently unknown. In summary, the available evidence is currently insufficient to determine the role of this variant in disease. Therefore, it has been classified as a Variant of Uncertain Significance.

Revvity Omics, Revvity
Classification: Uncertain significance. Last evaluated: 2023-01-09. Review status: criteria provided, single submitter. Criteria: ACMG Guidelines, 2015. Collection method: clinical testing. Allele origin: germline.